The following is an entry in ClinVar:

ClinVar aggregate classification (germline): Uncertain significance (1 of 4 stars; one submission).

Conditions:
Duchenne muscular dystrophy (DMD). Also called: Duchenne Muscular Dystrophy (DMD); MUSCULAR DYSTROPHY, PSEUDOHYPERTROPHIC PROGRESSIVE, DUCHENNE TYPE. Identifiers: Orphanet 98896, MedGen C0013264, MONDO:0010679, OMIM 310200.

Submission:

Labcorp Genetics (formerly Invitae), Labcorp
Classification: Uncertain significance for Duchenne muscular dystrophy. Last evaluated: 2019-09-04. Review status: criteria provided, single submitter. Criteria: Invitae Variant Classification Sherloc (09022015). Collection method: clinical testing. Allele origin: germline.
Comment: This variant results in a copy number gain of the genomic region encompassing exons 16-27 of the DMD gene. While the exact position of this variant cannot be determined from this data, sub-genic copy number gains are generally in tandem (PMID: 25640679). This variant would be expected to be in-frame, preserving the integrity of the reading frame. A similar copy number gain of exons 16-27 has been observed in an individual affected with Becker muscular dystrophy (PMID: 22776072). In summary, the available evidence is currently insufficient to determine the role of this variant in disease. Therefore, it has been classified as a Variant of Uncertain Significance.

Literature cited by the submitters: PubMed 22776072.

NC_000023.11:g.(?_32448446)_(32565891_?)dup

Gene: DMD (dystrophin; minus strand). Cytogenetic location: Xp21.1.
Variant type: Duplication.
Identifiers: ClinVar variation 832070 (VCV000832070.1).